The following is an entry in ClinVar:

ClinVar aggregate classification (germline): Uncertain significance. Review status: criteria provided, multiple submitters, no conflicts (2 of 4 stars). 3 submissions from 3 submitters: Uncertain significance (3). Last evaluated 2025-06-30.

Conditions:
Familial thoracic aortic aneurysm and aortic dissection (TAAD). Also called: Thoracic aortic aneurysms and dissections. Identifiers: Orphanet 91387, MedGen C4707243, MONDO:0019625.
Ehlers-Danlos syndrome, type 4 (EDSVASC). Also called: Ehlers-Danlos syndrome vascular type; Ehlers Danlos syndrome, ecchymotic type; Ehlers Danlos syndrome, arterial type; Ehlers Danlos syndrome, Sack-Barabas type; Ehlers-Danlos Syndrome Type IV. Identifiers: Orphanet 286, MedGen C0268338, MONDO:0017314, OMIM 130050.

Allele frequency attached by ClinVar (database versions not stated): ExAC 0.00001; gnomAD exomes 0.00002.

Submissions (3):

Color Diagnostics, LLC DBA Color Health
Classification: Uncertain significance for Familial thoracic aortic aneurysm and aortic dissection. Last evaluated: 2025-06-30. Review status: criteria provided, single submitter. Criteria: ACMG Guidelines, 2015. Collection method: clinical testing. Allele origin: germline.
Comment: This missense variant replaces methionine with threonine at codon 1296 of the COL3A1 protein. Computational prediction suggests that this variant may have deleterious impact on protein structure and function. To our knowledge, functional studies have not been reported for this variant. This variant has not been reported in individuals affected with COL3A1-related disorders in the literature. This variant has been identified in 4/251412 chromosomes in the general population by the Genome Aggregation Database (gnomAD). The available evidence is insufficient to determine the role of this variant in disease conclusively. Therefore, this variant is classified as a Variant of Uncertain Significance.

All of Us Research Program, National Institutes of Health
Classification: Uncertain significance for Ehlers-Danlos syndrome, type 4. Last evaluated: 2023-03-09. Review status: criteria provided, single submitter. Criteria: ACMG Guidelines, 2015. Collection method: clinical testing. Allele origin: germline. Inheritance: Autosomal dominant inheritance. Observed: 1 variant allele, 1 heterozygote.
Comment: This missense variant replaces methionine with threonine at codon 1296 of the COL3A1 protein. Computational prediction suggests that this variant may have deleterious impact on protein structure and function (internally defined REVEL score threshold >= 0.7, PMID: 27666373). To our knowledge, functional studies have not been reported for this variant. This variant has not been reported in individuals affected with COL3A1-related disorders in the literature. This variant has been identified in 4/251412 chromosomes in the general population by the Genome Aggregation Database (gnomAD). The available evidence is insufficient to determine the role of this variant in disease conclusively. Therefore, this variant is classified as a Variant of Uncertain Significance.

This study involves interpretation of variants in research participants for the purpose of population health screening. Participant phenotype was not available at the time of variant classification. Additional details can be found in publication PMID: 35346344, PMCID: PMC8962531

Labcorp Genetics (formerly Invitae), Labcorp
Classification: Uncertain significance for Ehlers-Danlos syndrome, type 4. Last evaluated: 2022-09-22. Review status: criteria provided, single submitter. Criteria: Invitae Variant Classification Sherloc (09022015). Collection method: clinical testing. Allele origin: germline.
Comment: This sequence change replaces methionine, which is neutral and non-polar, with threonine, which is neutral and polar, at codon 1296 of the COL3A1 protein (p.Met1296Thr). This variant is present in population databases (rs778936756, gnomAD 0.009%). This variant has not been reported in the literature in individuals affected with COL3A1-related conditions. Advanced modeling of protein sequence and biophysical properties (such as structural, functional, and spatial information, amino acid conservation, physicochemical variation, residue mobility, and thermodynamic stability) performed at Invitae indicates that this missense variant is not expected to disrupt COL3A1 protein function. In summary, the available evidence is currently insufficient to determine the role of this variant in disease. Therefore, it has been classified as a Variant of Uncertain Significance.

NM_000090.4(COL3A1):c.3887T>C (p.Met1296Thr)

Gene: COL3A1 (collagen type III alpha 1 chain; plus strand). Cytogenetic location: 2q32.2.
Variant type: single nucleotide variant.
Coding change: c.3887T>C on transcript NM_000090.4 (MANE Select); coding-DNA position 3887, T replaced by C.
Protein change: p.Met1296Thr; replaces methionine 1296 with threonine.
Molecular consequence: missense variant.
Genome position (GRCh38, 1-based): chr2:189,010,241, T>C. VCF-style: chr2-189010241-T-C. GRCh37 (hg19) VCF-style: chr2-189874967-T-C.
Other names: short protein forms M1296T.
Identifiers: ClinVar variation 2162279 (VCV002162279.3), dbSNP rs778936756, ClinGen allele CA076348.
Genomic context (GRCh38, chr2:189,010,241, plus strand): 5'-AATACTGGGTTGACCCTAACCAAGGATGCAAATTGGATGCTATCAAGGTATTCTGTAATA[T>C]GGAAACTGGGGAAACATGCATAAGTGCCAATCCTTTGAATGTTCCACGGAAACACTGGTG-3'
Protein context (NP_000081.2, residues 1286-1306): KLDAIKVFCN[Met1296Thr]ETGETCISAN